The following is an entry in ClinVar:

NM_004991.4(MECOM):c.1743C>A (p.Asp581Glu)

Gene: MECOM (MDS1 and EVI1 complex locus; minus strand). Cytogenetic location: 3q26.2.
Variant type: single nucleotide variant.
Coding change: c.1743C>A on transcript NM_004991.4 (MANE Select); coding-DNA position 1743, C replaced by A.
Protein change: p.Asp581Glu; replaces aspartic acid 581 with glutamic acid.
Molecular consequence: missense variant. On other transcripts: intron variant (2).
Genome position (GRCh38, 1-based): chr3:169,116,129, G>T on the plus strand (C>A on the coding strand, the complement: MECOM is on the minus strand). VCF-style: chr3-169116129-G-T. GRCh37 (hg19) VCF-style: chr3-168833917-G-T.
Other names: c.1374C>A, p.Asp458Glu (NM_001105077.4); c.1179C>A, p.Asp393Glu (NM_001105078.4, NM_001164000.2, NM_001205194.2 and 4 more transcripts); c.1182C>A, p.Asp394Glu (NM_001163999.2, NM_001366467.2, NM_001366468.2 and 1 more transcripts); c.1743C>A, p.Asp581Glu (NM_001366466.2); c.1133-362C>A (NM_001366473.2); c.569-362C>A (NM_001366474.2); short protein forms D393E, D458E, D394E, D581E.
Identifiers: ClinVar variation 3871850 (VCV003871850.1).

ClinVar aggregate classification (germline): Uncertain significance (1 of 4 stars; one submission).

Conditions:
Inborn genetic diseases. Identifiers: MedGen C0950123, MeSH D030342.

Submission:

Ambry Genetics
Classification: Uncertain significance for Inborn genetic diseases. Last evaluated: 2025-02-22. Review status: criteria provided, single submitter. Criteria: Ambry Variant Classification Scheme 2023. Collection method: clinical testing. Allele origin: germline.
Comment: The p.D581E variant (also known as c.1743C>A), located in coding exon 8 of the MECOM gene, results from a C to A substitution at nucleotide position 1743. The aspartic acid at codon 581 is replaced by glutamic acid, an amino acid with highly similar properties. This amino acid position is conserved. In addition, this alteration is predicted to be tolerated by in silico analysis. Based on the available evidence, the clinical significance of this variant remains unclear.